The following is an entry in ClinVar:

ClinVar aggregate classification (germline): Uncertain significance (1 of 4 stars; one submission).

Conditions:
Dilated cardiomyopathy 1G (CMD1G). Identifiers: Orphanet 154, MedGen C1858763, MONDO:0011400, OMIM 604145.
Autosomal recessive limb-girdle muscular dystrophy type 2J (LGMDR10). Also called: Limb-girdle muscular dystrophy, type 2J; MUSCULAR DYSTROPHY, LIMB-GIRDLE, AUTOSOMAL RECESSIVE 10. Identifiers: Orphanet 140922, MedGen C1837342, MONDO:0012127, OMIM 608807.

Submission:

Labcorp Genetics (formerly Invitae), Labcorp
Classification: Uncertain significance for Dilated cardiomyopathy 1G; Autosomal recessive limb-girdle muscular dystrophy type 2J. Last evaluated: 2023-10-03. Review status: criteria provided, single submitter. Criteria: Invitae Variant Classification Sherloc (09022015). Collection method: clinical testing. Allele origin: germline.
Comment: This sequence change replaces aspartic acid, which is acidic and polar, with tyrosine, which is neutral and polar, at codon 35951 of the TTN protein (p.Asp35951Tyr). This variant is not present in population databases (gnomAD no frequency). This variant has not been reported in the literature in individuals affected with TTN-related conditions. ClinVar contains an entry for this variant (Variation ID: 1360057). Experimental studies and prediction algorithms are not available or were not evaluated, and the functional significance of this variant is currently unknown. This variant is located in the M band of TTN (PMID: 25589632). Variants in this region may be relevant for neuromuscular disorders, but have not been definitively shown to cause cardiomyopathy (PMID: 23975875). In summary, the available evidence is currently insufficient to determine the role of this variant in disease. Therefore, it has been classified as a Variant of Uncertain Significance.

Literature cited by the submitters: PubMed 25589632; PubMed 23975875.

NM_001267550.2(TTN):c.107851G>T (p.Asp35951Tyr)

Genes: TTN-AS1 (TTN antisense RNA 1; plus strand), TTN (titin; minus strand). Cytogenetic location: 2q31.2.
Variant type: single nucleotide variant.
Coding change: c.107851G>T on transcript NM_001267550.2 (MANE Select); coding-DNA position 107851, G replaced by T.
Protein change: p.Asp35951Tyr; replaces aspartic acid 35951 with tyrosine.
Molecular consequence: missense variant.
Genome position (GRCh38, 1-based): chr2:178,527,137, C>A on the plus strand (G>T on the coding strand, the complement: TTN is on the minus strand). VCF-style: chr2-178527137-C-A. GRCh37 (hg19) VCF-style: chr2-179391864-C-A.
Other names: c.102928G>T, p.Asp34310Tyr (NM_001256850.1); c.80656G>T, p.Asp26886Tyr (NM_003319.4); c.100147G>T, p.Asp33383Tyr (NM_133378.4); c.81031G>T, p.Asp27011Tyr (NM_133432.3); c.81232G>T, p.Asp27078Tyr (NM_133437.4); short protein forms D35951Y, D27011Y, D33383Y, D26886Y, D27078Y, D34310Y.
Identifiers: ClinVar variation 1360057 (VCV001360057.6), dbSNP rs2154129841, ClinGen allele CA349398678.
Genomic context (GRCh38, chr2:178,527,137, plus strand): 5'-GGGTATAAAGTCCACCATCTTGTTTCTGTACGTCCATGATGATCAGGGTTGTCAGGTCAT[C>A]TGTGTTTTCAATGTGGAACCTCCCCTGTTCTTGACTGTGGATTTTTCTTCCACCACAGGA-3'
Protein context (NP_001254479.2, residues 35941-35961): EQGRFHIENT[Asp35951Tyr]DLTTLIIMDV